The following is an entry in ClinVar:

NM_002519.3(NPAT):c.4060G>C (p.Asp1354His)

Gene: NPAT (nuclear protein, coactivator of histone transcription; minus strand). Cytogenetic location: 11q22.3.
Variant type: single nucleotide variant.
Coding change: c.4060G>C on transcript NM_002519.3 (MANE Select); coding-DNA position 4060, G replaced by C.
Protein change: p.Asp1354His; replaces aspartic acid 1354 with histidine.
Molecular consequence: missense variant.
Genome position (GRCh38, 1-based): chr11:108,161,026, C>G on the plus strand (G>C on the coding strand, the complement: NPAT is on the minus strand). VCF-style: chr11-108161026-C-G. GRCh37 (hg19) VCF-style: chr11-108031753-C-G.
Other names: c.4081G>C, p.Asp1361His (NM_001321307.1); short protein forms D1354H, D1361H.
Identifiers: ClinVar variation 2587667 (VCV002587667.2), dbSNP rs2496693451, ClinGen allele CA382509461.

ClinVar aggregate classification (germline): Uncertain significance (1 of 4 stars; one submission).

Allele frequency attached by ClinVar (database versions not stated): gnomAD exomes below 0.00001.
gnomAD v4.1: 1 of 1,614,126 alleles (0.000062%); highest among the groups gnomAD compares: Non-Finnish European, 0.000085%; no homozygotes.

Submission:

Ambry Genetics
Classification: Uncertain significance. Last evaluated: 2023-07-09. Review status: criteria provided, single submitter. Criteria: Ambry Variant Classification Scheme 2023. Collection method: clinical testing. Allele origin: germline.
Comment: The p.D1354H variant (also known as c.4060G>C), located in coding exon 17 of the NPAT gene, results from a G to C substitution at nucleotide position 4060. The aspartic acid at codon 1354 is replaced by histidine, an amino acid with similar properties. This amino acid position is conserved. In addition, the in silico prediction for this alteration is inconclusive. Since supporting evidence is limited at this time, the clinical significance of this alteration remains unclear.